The following is an entry in ClinVar:

ClinVar aggregate classification (germline): Benign/Likely benign. Review status: criteria provided, multiple submitters, no conflicts (2 of 4 stars). 12 submissions from 12 submitters: Benign (7); Likely benign (1). 4 of the submissions do not count toward it. Last evaluated 2026-02-03.

Conditions:
Hypertrophic cardiomyopathy 1 (CMH1). Also called: Familial hypertrophic cardiomyopathy 1; MYH7-Related Familial Hypertrophic Cardiomyopathy. Identifiers: MedGen C3495498, MONDO:0008647, OMIM 192600.
Hypertrophic cardiomyopathy 14. Identifiers: MedGen C2750467, MONDO:0013197, OMIM 613251.
Dilated cardiomyopathy 1EE (CMD1EE). Identifiers: Orphanet 154, MedGen C2750466, MONDO:0013198, OMIM 613252.
Sick sinus syndrome 3, susceptibility to (SSS3). Identifiers: Orphanet 166282, MedGen C3279791, MONDO:0013568, OMIM 614090.
Atrial septal defect 3 (ASD3). Identifiers: Orphanet 1478, MedGen C3279790, MONDO:0013567, OMIM 614089.
Cardiomyopathy (CMYO). Also called: Cardiomyopathies. Identifiers: Orphanet 167848, MedGen C0878544, MONDO:0004994, HP:0001638. Inheritance: Various modes of inheritance.

Allele frequency attached by ClinVar (database versions not stated): TOPMed 0.01113; ESP Exome Variant Server 0.01130; 1000 Genomes Project 0.01597; 1000 Genomes Project 30x 0.01671.
gnomAD v4.1: 3,252 of 1,613,034 alleles (0.2%); highest among the groups gnomAD compares: African/African-American, 3.7%; 65 homozygotes.

Submissions (12):

Labcorp Genetics (formerly Invitae), Labcorp
Classification: Benign for Hypertrophic cardiomyopathy 14. Last evaluated: 2026-02-03. Review status: criteria provided, single submitter. Criteria: Invitae Variant Classification Sherloc (09022015). Collection method: clinical testing. Allele origin: germline.

ARUP Laboratories, Molecular Genetics and Genomics, ARUP Laboratories
Classification: Benign. Last evaluated: 2025-04-08. Review status: criteria provided, single submitter. Criteria: ARUP Molecular Germline Variant Investigation Process 2024. Collection method: clinical testing. Allele origin: germline.

Fulgent Genetics
Classification: Likely benign for Hypertrophic cardiomyopathy 1; Hypertrophic cardiomyopathy 14; Dilated cardiomyopathy 1EE; Atrial septal defect 3; Sick sinus syndrome 3, susceptibility to. Last evaluated: 2021-10-26. Review status: criteria provided, single submitter. Criteria: ACMG Guidelines, 2015. Collection method: clinical testing. Allele origin: unknown.

GeneDx
Classification: Benign. Last evaluated: 2016-10-06. Review status: criteria provided, single submitter. Criteria: GeneDx Variant Classification (06012015). Collection method: clinical testing. Allele origin: germline. Affected: yes.
Comment: This variant is considered likely benign or benign based on one or more of the following criteria: it is a conservative change, it occurs at a poorly conserved position in the protein, it is predicted to be benign by multiple in silico algorithms, and/or has population frequency not consistent with disease.

CHEO Genetics Diagnostic Laboratory, Children's Hospital of Eastern Ontario
Classification: Benign for Cardiomyopathy. Last evaluated: 2016-03-03. Review status: criteria provided, single submitter. Criteria: ACMG Guidelines, 2015. Collection method: clinical testing. Allele origin: germline. Study: Canadian Open Genetics Repository.

Laboratory for Molecular Medicine, Mass General Brigham Personalized Medicine
Classification: Benign. Last evaluated: 2011-12-13. Review status: criteria provided, single submitter. Criteria: LMM Criteria. Collection method: clinical testing. Allele origin: germline. Observed: 26 variant alleles.

Breakthrough Genomics
Classification: Benign. Review status: criteria provided, single submitter. Criteria: ACMG Guidelines, 2015. Collection method: not provided. Allele origin: germline. Inheritance: Autosomal dominant inheritance. Affected: yes.

PreventionGenetics, part of Exact Sciences
Classification: Benign. Review status: criteria provided, single submitter. Criteria: ACMG Guidelines, 2015. Collection method: clinical testing. Allele origin: germline.

Clinical Genetics DNA and cytogenetics Diagnostics Lab, Erasmus MC, Erasmus Medical Center
Classification: Benign. Review status: no assertion criteria provided. Collection method: clinical testing. Allele origin: germline. Affected: yes. Study: VKGL Data-share Consensus. Not counted in ClinVar's aggregate classification.

Clinical Genetics, Academic Medical Center
Classification: Benign. Review status: no assertion criteria provided. Collection method: clinical testing. Allele origin: germline. Affected: yes. Study: VKGL Data-share Consensus. Not counted in ClinVar's aggregate classification.

Diagnostic Laboratory, Department of Genetics, University Medical Center Groningen
Classification: Likely benign. Review status: no assertion criteria provided. Collection method: clinical testing. Allele origin: germline. Affected: yes. Study: VKGL Data-share Consensus. Not counted in ClinVar's aggregate classification.

Joint Genome Diagnostic Labs from Nijmegen and Maastricht, Radboudumc and MUMC+
Classification: Benign. Review status: no assertion criteria provided. Collection method: clinical testing. Allele origin: germline. Affected: yes. Study: VKGL Data-share Consensus. Not counted in ClinVar's aggregate classification.

NM_002471.4(MYH6):c.4360-7C>T

Gene: MYH6 (myosin heavy chain 6; minus strand). Cytogenetic location: 14q11.2.
Variant type: single nucleotide variant.
Coding change: c.4360-7C>T on transcript NM_002471.4 (MANE Select); 7 bases into the intron before coding-DNA position 4360, C replaced by T.
Molecular consequence: intron variant.
Genome position (GRCh38, 1-based): chr14:23,387,930, G>A on the plus strand (C>T on the coding strand, the complement: MYH6 is on the minus strand). VCF-style: chr14-23387930-G-A. GRCh37 (hg19) VCF-style: chr14-23857139-G-A.
Identifiers: ClinVar variation 44511 (VCV000044511.37), dbSNP rs58949384, ClinGen allele CA134401.
Genomic context (GRCh38, chr14:23,387,930, plus strand): 5'-GGACTCCAGCTCAGACTGCGACTCCTCATACTTCTGCTTCCACTCGGCCAGGATCTGCCC[G>A]GGGACAAGGCTCACTCTTCAGCCCCCCAGCCTTAGCTCCCCAGCCCTCCTGCTTCCCAGT-3'